The following is an entry in ClinVar:

ClinVar aggregate classification (germline): Uncertain significance (1 of 4 stars; one submission).

Submission:

GeneDx
Classification: Uncertain significance. Last evaluated: 2014-11-19. Review status: criteria provided, single submitter. Criteria: GeneDx Variant Classification (06012015). Collection method: clinical testing. Allele origin: germline. Affected: yes.
Comment: c.2804dupC: p.Val936CysfsX2 in exon 17 in the TTN gene (NM_001256850.1). The c.2804dupC variant in the TTN gene has not been reported previously as a disease-causing mutation nor as a benign polymorphism to our knowledge. The c.2804dupC variant causes a frameshift starting with codon Valine 936, changes this amino acid to a Cysteine residue, and creates a premature Stop codon at position 2 of the new reading frame, denoted p.Val936CysfsX2. This variant is predicted to cause loss of normal protein function either through protein truncation or nonsense-mediated mRNA decay. The c.2804dupC variant was not observed in approximately 6500 individuals of European and African American ancestry in the NHLBI Exome Sequencing Project, indicating it is not a common benign variant in these populations. We interpret c.2804dupC as a variant of unknown significance. The variant is found in TTN panel(s).

NM_001267550.2(TTN):c.2804dup (p.Val936fs)

Gene: TTN (titin; minus strand). Cytogenetic location: 2q31.2.
Variant type: Duplication.
Coding change: c.2804dup on transcript NM_001267550.2 (MANE Select); coding-DNA position 2804, one base duplicated (C; older notation c.2804dupC).
Protein change: p.Val936fs; shifts the reading frame from valine 936.
Molecular consequence: frameshift variant.
Genome position (GRCh38, 1-based): chr2:178,783,757, G duplicated on the plus strand (C on the coding strand, the reverse complement: TTN is on the minus strand); the first of 2 consecutive G bases (chr2:178,783,757-178,783,758); duplicating either gives the same sequence. VCF-style (leftmost placement, unchanged base first): chr2-178783756-A-AG. GRCh37 (hg19) VCF-style: chr2-179648483-A-AG.
Other names: c.2804dup, p.Val936fs (NM_001256850.1, NM_133378.4, NM_133379.5); c.2666dup, p.Val890fs (NM_003319.4, NM_133432.3, NM_133437.4); c.2804dupC (NM_001256850.1); short protein forms V890fs, V936fs.
Identifiers: ClinVar variation 202540 (VCV000202540.1), dbSNP rs794729393, ClinGen allele CA309544.